The following is an entry in ClinVar:

NM_004130.4(GYG1):c.452A>T (p.His151Leu)

Gene: GYG1 (glycogenin 1; plus strand). Cytogenetic location: 3q24.
Variant type: single nucleotide variant.
Coding change: c.452A>T on transcript NM_004130.4 (MANE Select); coding-DNA position 452, A replaced by T.
Protein change: p.His151Leu; replaces histidine 151 with leucine.
Molecular consequence: missense variant.
Genome position (GRCh38, 1-based): chr3:148,996,875, A>T. VCF-style: chr3-148996875-A-T. GRCh37 (hg19) VCF-style: chr3-148714662-A-T.
Other names: p.His151Leu; c.452A>T, p.His151Leu (NM_001184720.2, NM_001184721.2); short protein forms H151L.
Identifiers: ClinVar variation 516905 (VCV000516905.16), dbSNP rs35054019, ClinGen allele CA2658559.
Genomic context (GRCh38, chr3:148,996,875, plus strand): 5'-GCTTCAATTCCGGAGTCTTCGTTTATCAGCCTTCAGTTGAAACATACAATCAGCTGTTGC[A>T]TCTTGCTTCTGAGCAAGGTAGTTTTGATGGTATGTATTTGCTATCTTCATGTCTGATAAG-3'
Protein context (NP_004121.2, residues 141-161): PSVETYNQLL[His151Leu]LASEQGSFDG

ClinVar aggregate classification (germline): Benign. Review status: criteria provided, multiple submitters, no conflicts (2 of 4 stars). 6 submissions from 6 submitters: Benign (6). Last evaluated 2026-02-01.

Conditions:
Polyglucosan body myopathy type 2. Identifiers: Orphanet 456369, MedGen C4015452, MONDO:0014526, OMIM 616199.
Glycogen storage disease XV (GSD15). Also called: GLYCOGENIN DEFICIENCY; GSD XV. Identifiers: Orphanet 263297, MedGen C3150754, MONDO:0013291, OMIM 613507.

Allele frequency attached by ClinVar (database versions not stated): 1000 Genomes Project 0.00919; 1000 Genomes Project 30x 0.00984; ESP Exome Variant Server 0.01053; TOPMed 0.01063.
gnomAD v4.1: 2,763 of 1,613,862 alleles (0.17%); highest among the groups gnomAD compares: African/African-American, 3.1%; 54 homozygotes.

Submissions (6):

Labcorp Genetics (formerly Invitae), Labcorp
Classification: Benign for Polyglucosan body myopathy type 2; Glycogen storage disease XV. Last evaluated: 2026-02-01. Review status: criteria provided, single submitter. Criteria: Invitae Variant Classification Sherloc (09022015). Collection method: clinical testing. Allele origin: germline.

ARUP Laboratories, Molecular Genetics and Genomics, ARUP Laboratories
Classification: Benign. Last evaluated: 2025-02-28. Review status: criteria provided, single submitter. Criteria: ARUP Molecular Germline Variant Investigation Process 2024. Collection method: clinical testing. Allele origin: germline.

Fulgent Genetics
Classification: Benign for Glycogen storage disease XV; Polyglucosan body myopathy type 2. Last evaluated: 2022-05-02. Review status: criteria provided, single submitter. Criteria: ACMG Guidelines, 2015. Collection method: clinical testing. Allele origin: unknown.

Mayo Clinic Laboratories, Mayo Clinic
Classification: Benign. Last evaluated: 2018-11-19. Review status: criteria provided, single submitter. Criteria: ACMG Guidelines, 2015. Collection method: clinical testing. Allele origin: germline. Observed: 10 variant alleles.

GeneDx
Classification: Benign. Last evaluated: 2017-03-02. Review status: criteria provided, single submitter. Criteria: GeneDx Variant Classification (06012015). Collection method: clinical testing. Allele origin: germline. Affected: yes.
Comment: This variant is considered likely benign or benign based on one or more of the following criteria: it is a conservative change, it occurs at a poorly conserved position in the protein, it is predicted to be benign by multiple in silico algorithms, and/or has population frequency not consistent with disease.

Breakthrough Genomics
Classification: Benign. Review status: criteria provided, single submitter. Criteria: ACMG Guidelines, 2015. Collection method: not provided. Allele origin: germline. Inheritance: Autosomal recessive inheritance. Affected: yes.